The following is an entry in ClinVar:

ClinVar aggregate classification (germline): Uncertain significance. Review status: criteria provided, multiple submitters, no conflicts (2 of 4 stars). 2 submissions from 2 submitters: Uncertain significance (2). Last evaluated 2025-12-02.

Conditions:
Hereditary cancer-predisposing syndrome. Also called: Tumor predisposition; Neoplastic Syndromes, Hereditary; Hereditary Cancer Syndrome; Hereditary neoplastic syndrome. Identifiers: Orphanet 140162, MedGen C0027672, MeSH D009386, MONDO:0015356.
Ataxia-telangiectasia syndrome (AT). Also called: ATAXIA-TELANGIECTASIA, COMPLEMENTATION GROUP A; ATAXIA-TELANGIECTASIA, FRESNO VARIANT; Ataxia-telangiectasia; Ataxia-telangiectasia, complementation group D; AT, COMPLEMENTATION GROUP C; Ataxia-telangiectasia, complementation group E. Identifiers: Orphanet 100, MedGen C0004135, MONDO:0008840, OMIM 208900.

Submissions (2):

Ambry Genetics
Classification: Uncertain significance for Hereditary cancer-predisposing syndrome. Last evaluated: 2025-12-02. Review status: criteria provided, single submitter. Criteria: Ambry Variant Classification Scheme 2023. Collection method: clinical testing. Allele origin: germline.
Comment: The p.A2454P variant (also known as c.7360G>C), located in coding exon 49 of the ATM gene, results from a G to C substitution at nucleotide position 7360. The alanine at codon 2454 is replaced by proline, an amino acid with highly similar properties. In an assay testing ATM function, this variant showed a functionally abnormal result. (Lee KS et al. Cell, 2025 Sep;188:5081-5099.e27). This amino acid position is not well conserved in available vertebrate species. In addition, the in silico prediction for this alteration is inconclusive. Based on the available evidence, the clinical significance of this variant remains unclear.

Labcorp Genetics (formerly Invitae), Labcorp
Classification: Uncertain significance for Ataxia-telangiectasia syndrome. Last evaluated: 2024-02-22. Review status: criteria provided, single submitter. Criteria: Invitae Variant Classification Sherloc (09022015). Collection method: clinical testing. Allele origin: germline.
Comment: This sequence change replaces alanine, which is neutral and non-polar, with proline, which is neutral and non-polar, at codon 2454 of the ATM protein (p.Ala2454Pro). This variant is not present in population databases (gnomAD no frequency). This variant has not been reported in the literature in individuals affected with ATM-related conditions. ClinVar contains an entry for this variant (Variation ID: 826988). An algorithm developed to predict the effect of missense changes on protein structure and function (PolyPhen-2) suggests that this variant is likely to be disruptive. In summary, the available evidence is currently insufficient to determine the role of this variant in disease. Therefore, it has been classified as a Variant of Uncertain Significance.

Literature cited by the submitters: PubMed 40580951 (cited by Ambry Genetics).

NM_000051.4(ATM):c.7360G>C (p.Ala2454Pro)

Genes: ATM (ATM serine/threonine kinase; plus strand), C11orf65 (chromosome 11 open reading frame 65; minus strand). Cytogenetic location: 11q22.3.
Variant type: single nucleotide variant.
Coding change: c.7360G>C on transcript NM_000051.4 (MANE Select); coding-DNA position 7360, G replaced by C.
Protein change: p.Ala2454Pro; replaces alanine 2454 with proline.
Molecular consequence: missense variant. On other transcripts: intron variant (2).
Genome position (GRCh38, 1-based): chr11:108,330,266, G>C. VCF-style: chr11-108330266-G-C. GRCh37 (hg19) VCF-style: chr11-108200993-G-C.
Other names: c.7360G>C, p.Ala2454Pro (NM_001351834.2); c.641-21195C>G (NM_001330368.2); c.*38+4954C>G (NM_001351110.2); short protein forms A2454P.
Identifiers: ClinVar variation 826988 (VCV000826988.10), dbSNP rs1565529541, ClinGen allele CA382559958.